The following is an entry in ClinVar:

NM_015166.4(MLC1):c.*48A>G

Gene: MLC1 (modulator of VRAC current 1; minus strand). Cytogenetic location: 22q13.33.
Variant type: single nucleotide variant.
Coding change: c.*48A>G on transcript NM_015166.4 (MANE Select); 48 bases downstream of the stop codon, A replaced by G.
Molecular consequence: 3 prime UTR variant. On other transcripts: non-coding transcript variant (3), intron variant (2).
Genome position (GRCh38, 1-based): chr22:50,061,535, T>C on the plus strand (A>G on the coding strand, the complement: MLC1 is on the minus strand). VCF-style: chr22-50061535-T-C. GRCh37 (hg19) VCF-style: chr22-50499964-T-C.
Other names: c.*48A>G (NM_001376472.1, NM_001376473.1, NM_001376474.1 and 9 more transcripts); c.*45+3A>G (NM_001376478.1, NM_001376477.1).
Identifiers: ClinVar variation 262456 (VCV000262456.11), dbSNP rs137919, ClinGen allele CA10303177.
Genomic context (GRCh38, chr22:50,061,535, plus strand): 5'-ACAAGGGAAAAGAGGTGTTAGAAGCAGTAGCTCAGGGCGATTAGGGGTTGTGCGTTTCCA[T>C]GCTTGGGGCCAGGCTGGGCGCTGCCACCCGGTTTCCGCGTCTGGGGGTCACTGGGCCATT-3'

ClinVar aggregate classification (germline): Benign. Review status: criteria provided, multiple submitters, no conflicts (2 of 4 stars). 5 submissions from 5 submitters: Benign (5). Last evaluated 2021-06-10.

Conditions:
Megalencephalic leukoencephalopathy with subcortical cysts 1 (MLC1). Also called: VACUOLATING MEGALENCEPHALIC LEUKOENCEPHALOPATHY WITH SUBCORTICAL CYSTS; LEUKOENCEPHALOPATHY WITH SWELLING AND CYSTS. Identifiers: Orphanet 2478, MedGen C5779875, MONDO:0024555, OMIM 604004.

Allele frequency attached by ClinVar (database versions not stated): gnomAD 0.23521 and 0.24415; 1000 Genomes Project 0.28295; ExAC 0.29742; ESP Exome Variant Server 0.22924; gnomAD exomes 0.29940 and 0.30182; TOPMed 0.24382; 1000 Genomes Project 30x 0.28092.
gnomAD v4.1: 465,889 of 1,574,564 alleles (30%); highest among the groups gnomAD compares: South Asian, 42%; 71,742 homozygotes.

Submissions (5):

Genome-Nilou Lab
Classification: Benign for Megalencephalic leukoencephalopathy with subcortical cysts 1. Last evaluated: 2021-06-10. Review status: criteria provided, single submitter. Criteria: ACMG Guidelines, 2015. Collection method: clinical testing. Allele origin: germline. Affected: no.

GeneDx
Classification: Benign. Last evaluated: 2018-11-12. Review status: criteria provided, single submitter. Criteria: GeneDx Variant Classification Process June 2021. Collection method: clinical testing. Allele origin: germline. Affected: yes.

Illumina Laboratory Services, Illumina
Classification: Benign for Megalencephalic leukoencephalopathy with subcortical cysts 1. Last evaluated: 2018-01-13. Review status: criteria provided, single submitter. Criteria: ICSL Variant Classification Criteria 13 December 2019. Collection method: clinical testing. Allele origin: germline.
Comment: This variant was observed in the ICSL laboratory as part of a predisposition screen in an ostensibly healthy population. It had not been previously curated by ICSL or reported in the Human Gene Mutation Database (HGMD: prior to June 1st, 2018), and was therefore a candidate for classification through an automated scoring system. Utilizing variant allele frequency, disease prevalence and penetrance estimates, and inheritance mode, an automated score was calculated to assess if this variant is too frequent to cause the disease. Based on the score and internal cut-off values, a variant classified as benign is not then subjected to further curation. The score for this variant resulted in a classification of benign for this disease.

Breakthrough Genomics
Classification: Benign. Review status: criteria provided, single submitter. Criteria: ACMG Guidelines, 2015. Collection method: not provided. Allele origin: germline. Inheritance: Autosomal recessive inheritance. Affected: yes.

PreventionGenetics, part of Exact Sciences
Classification: Benign. Review status: criteria provided, single submitter. Criteria: ACMG Guidelines, 2015. Collection method: clinical testing. Allele origin: germline.